The following is an entry in ClinVar:

NM_182931.3(KMT2E):c.1130+4T>C

Gene: KMT2E (lysine methyltransferase 2E (inactive); plus strand). Cytogenetic location: 7q22.3.
Variant type: single nucleotide variant.
Coding change: c.1130+4T>C on transcript NM_182931.3 (MANE Select); 4 bases into the intron after coding-DNA position 1130, T replaced by C.
Molecular consequence: intron variant.
Genome position (GRCh38, 1-based): chr7:105,077,437, T>C. VCF-style: chr7-105077437-T-C. GRCh37 (hg19) VCF-style: chr7-104717884-T-C.
Other names: c.1130+4T>C (NM_018682.4, NM_001410908.1).
Identifiers: ClinVar variation 2657908 (VCV002657908.24), dbSNP rs756516045, ClinGen allele CA4423921.

ClinVar aggregate classification (germline): Likely benign (1 of 4 stars; one submission).

Allele frequency attached by ClinVar (database versions not stated): TOPMed below 0.00001; ExAC 0.00001.
gnomAD v4.1: 4 of 1,594,608 alleles (0.00025%); highest among the groups gnomAD compares: East Asian, 0.0022%; no homozygotes.

Submission:

CeGaT Center for Human Genetics Tuebingen
Classification: Likely benign. Last evaluated: 2023-09-01. Review status: criteria provided, single submitter. Criteria: CeGaT Center For Human Genetics Tuebingen Variant Classification Criteria Version 2. Collection method: clinical testing. Allele origin: germline. Affected: yes. Observed: 1 variant allele.
Comment: KMT2E: BP4